The following is an entry in ClinVar:

NM_001035.3(RYR2):c.4219G>A (p.Glu1407Lys)

Gene: RYR2 (ryanodine receptor 2; plus strand). Cytogenetic location: 1q43.
Variant type: single nucleotide variant.
Coding change: c.4219G>A on transcript NM_001035.3 (MANE Select); coding-DNA position 4219, G replaced by A.
Protein change: p.Glu1407Lys; replaces glutamic acid 1407 with lysine.
Molecular consequence: missense variant.
Genome position (GRCh38, 1-based): chr1:237,591,797, G>A. VCF-style: chr1-237591797-G-A. GRCh37 (hg19) VCF-style: chr1-237755097-G-A.
Other names: c.4219G>A, p.Glu1407Lys (LRG_402t1); short protein forms E1407K.
Identifiers: ClinVar variation 532350 (VCV000532350.13), dbSNP rs1420999217, ClinGen allele CA345398642.

ClinVar aggregate classification (germline): Uncertain significance. Review status: criteria provided, multiple submitters, no conflicts (2 of 4 stars). 4 submissions from 4 submitters: Uncertain significance (4). Last evaluated 2025-08-26.

Conditions:
Catecholaminergic polymorphic ventricular tachycardia 1. Also called: VENTRICULAR TACHYCARDIA, CATECHOLAMINERGIC POLYMORPHIC, 1, WITH OR WITHOUT ATRIAL DYSFUNCTION AND/OR DILATED CARDIOMYOPATHY; RYR2-Related Catecholaminergic Polymorphic Ventricular Tachycardia; VENTRICULAR TACHYCARDIA, STRESS-INDUCED POLYMORPHIC 1. Identifiers: Orphanet 3286, MedGen C1631597, MONDO:0011484, OMIM 604772.
Cardiomyopathy (CMYO). Also called: Cardiomyopathies. Identifiers: Orphanet 167848, MedGen C0878544, MONDO:0004994, HP:0001638. Inheritance: Various modes of inheritance.
Cardiovascular phenotype. Identifiers: MedGen CN230736.
Catecholaminergic polymorphic ventricular tachycardia (CVPT). Also called: Catecholamine-induced polymorphic ventricular tachycardia. Identifiers: Orphanet 3286, MedGen C5574922, MONDO:0017990.

Allele frequency attached by ClinVar (database versions not stated): gnomAD exomes below 0.00001.
gnomAD v4.1: 4 of 1,613,682 alleles (0.00025%); highest among the groups gnomAD compares: Non-Finnish European, 0.00034%; no homozygotes.

Submissions (4):

Color Diagnostics, LLC DBA Color Health
Classification: Uncertain significance for Cardiomyopathy. Last evaluated: 2025-08-26. Review status: criteria provided, single submitter. Criteria: ACMG Guidelines, 2015. Collection method: clinical testing. Allele origin: germline.
Comment: This missense variant replaces glutamic acid with lysine at codon 1407 of the RYR2 protein. Computational prediction is inconclusive regarding the impact of this variant on protein structure and function. To our knowledge, functional studies have not been reported for this variant. This variant has not been reported in individuals affected with RYR2-related disorders in the literature. This variant has been identified in 1/248602 chromosomes in the general population by the Genome Aggregation Database (gnomAD). The available evidence is insufficient to determine the role of this variant in disease conclusively. Therefore, this variant is classified as a Variant of Uncertain Significance.

Ambry Genetics
Classification: Uncertain significance for Cardiovascular phenotype. Last evaluated: 2025-05-30. Review status: criteria provided, single submitter. Criteria: Ambry Variant Classification Scheme 2023. Collection method: clinical testing. Allele origin: germline.
Comment: The p.E1407K variant (also known as c.4219G>A), located in coding exon 32 of the RYR2 gene, results from a G to A substitution at nucleotide position 4219. The glutamic acid at codon 1407 is replaced by lysine, an amino acid with similar properties. This amino acid position is highly conserved in available vertebrate species. In addition, this alteration is predicted to be deleterious by in silico analysis. Since supporting evidence is limited at this time, the clinical significance of this alteration remains unclear.

Labcorp Genetics (formerly Invitae), Labcorp
Classification: Uncertain significance for Catecholaminergic polymorphic ventricular tachycardia 1. Last evaluated: 2025-03-18. Review status: criteria provided, single submitter. Criteria: Invitae Variant Classification Sherloc (09022015). Collection method: clinical testing. Allele origin: germline.
Comment: This sequence change replaces glutamic acid, which is acidic and polar, with lysine, which is basic and polar, at codon 1407 of the RYR2 protein (p.Glu1407Lys). The frequency data for this variant in the population databases is considered unreliable, as metrics indicate poor data quality at this position in the gnomAD database. This variant has not been reported in the literature in individuals affected with RYR2-related conditions. ClinVar contains an entry for this variant (Variation ID: 532350). Invitae Evidence Modeling of protein sequence and biophysical properties (such as structural, functional, and spatial information, amino acid conservation, physicochemical variation, residue mobility, and thermodynamic stability) indicates that this missense variant is not expected to disrupt RYR2 protein function with a negative predictive value of 95%. In summary, the available evidence is currently insufficient to determine the role of this variant in disease. Therefore, it has been classified as a Variant of Uncertain Significance.

All of Us Research Program, National Institutes of Health
Classification: Uncertain significance for Catecholaminergic polymorphic ventricular tachycardia. Last evaluated: 2023-08-15. Review status: criteria provided, single submitter. Criteria: ACMG Guidelines, 2015. Collection method: clinical testing. Allele origin: germline. Inheritance: Autosomal dominant inheritance. Observed: 1 variant allele, 1 heterozygote.
Comment: This study involves interpretation of variants in research participants for the purpose of population health screening. Participant phenotype was not available at the time of variant classification. Additional details can be found in publication PMID: 35346344, PMCID: PMC8962531